The following is an entry in ClinVar:

ClinVar aggregate classification (germline): Uncertain significance (1 of 4 stars; one submission).

Conditions:
Hereditary cancer-predisposing syndrome. Also called: Hereditary Cancer Syndrome; Hereditary neoplastic syndrome; Neoplastic Syndromes, Hereditary; Tumor predisposition. Identifiers: Orphanet 140162, MedGen C0027672, MeSH D009386, MONDO:0015356.

Submission:

Ambry Genetics
Classification: Uncertain significance for Hereditary cancer-predisposing syndrome. Last evaluated: 2025-06-30. Review status: criteria provided, single submitter. Criteria: Ambry Variant Classification Scheme 2023. Collection method: clinical testing. Allele origin: germline.
Comment: The p.I162V variant (also known as c.484A>G), located in coding exon 4 of the EGFR gene, results from an A to G substitution at nucleotide position 484. The isoleucine at codon 162 is replaced by valine, an amino acid with highly similar properties. This amino acid position is conserved. In addition, this alteration is predicted to be tolerated by in silico analysis. Based on the available evidence, the clinical significance of this variant remains unclear.

NM_005228.5(EGFR):c.484A>G (p.Ile162Val)

Gene: EGFR (epidermal growth factor receptor; plus strand). Cytogenetic location: 7p11.2.
Variant type: single nucleotide variant.
Coding change: c.484A>G on transcript NM_005228.5 (MANE Select); coding-DNA position 484, A replaced by G.
Protein change: p.Ile162Val; replaces isoleucine 162 with valine.
Molecular consequence: missense variant. On other transcripts: intron variant (3).
Genome position (GRCh38, 1-based): chr7:55,146,665, A>G. VCF-style: chr7-55146665-A-G. GRCh37 (hg19) VCF-style: chr7-55214358-A-G.
Other names: c.484A>G, p.Ile162Val (NM_001346898.2, NM_201282.2, NM_201283.2 and 1 more transcripts); c.325A>G, p.Ile109Val (NM_001346900.2); c.424+3177A>G (NM_001346899.2, NM_001346897.2); c.89-9165A>G (NM_001346941.2); short protein forms I109V, I162V.
Identifiers: ClinVar variation 4247290 (VCV004247290.1).